The following is an entry in ClinVar:

NM_024757.5(EHMT1):c.322C>T (p.His108Tyr)

Gene: EHMT1 (euchromatic histone lysine methyltransferase 1; plus strand). Cytogenetic location: 9q34.3.
Variant type: single nucleotide variant.
Coding change: c.322C>T on transcript NM_024757.5 (MANE Select); coding-DNA position 322, C replaced by T.
Protein change: p.His108Tyr; replaces histidine 108 with tyrosine.
Molecular consequence: missense variant.
Genome position (GRCh38, 1-based): chr9:137,716,862, C>T. VCF-style: chr9-137716862-C-T. GRCh37 (hg19) VCF-style: chr9-140611314-C-T.
Other names: c.322C>T, p.His108Tyr (NM_001145527.2, NM_001354263.2, NM_001354611.2); c.229C>T, p.His77Tyr (NM_001354259.2, NM_001354612.2); c.322C>T (NM_024757.4); short protein forms H108Y, H77Y.
Identifiers: ClinVar variation 1092222 (VCV001092222.14), dbSNP rs1329664706, ClinGen allele CA375764403.

ClinVar aggregate classification (germline): Conflicting classifications of pathogenicity. Review status: criteria provided, conflicting classifications (1 of 4 stars). 3 submissions from 3 submitters: Uncertain significance (2); Likely benign (1). Last evaluated 2026-04-06.

Conditions:
Kleefstra syndrome 1 (KLEFS1). Identifiers: Orphanet 261494, MedGen C0795833, MONDO:0027407, OMIM 610253.
Inborn genetic diseases. Identifiers: MedGen C0950123, MeSH D030342.

Allele frequency attached by ClinVar (database versions not stated): gnomAD exomes below 0.00001.
gnomAD v4.1: 4 of 1,613,252 alleles (0.00025%); highest among the groups gnomAD compares: Admixed American, 0.0017%; no homozygotes.

Submissions (3):

Ambry Genetics
Classification: Uncertain significance for Inborn genetic diseases. Last evaluated: 2026-04-06. Review status: criteria provided, single submitter. Criteria: Ambry Variant Classification Scheme 2023. Collection method: clinical testing. Allele origin: germline.
Comment: The c.322C>T (p.H108Y) alteration is located in exon 3 (coding exon 3) of the EHMT1 gene. This alteration results from a C to T substitution at nucleotide position 322, causing the histidine (H) at amino acid position 108 to be replaced by a tyrosine (Y). Based on data from gnomAD, the T allele has an overall frequency of <0.001% (1/250950) total alleles studied. The highest observed frequency was 0.003% (1/34554) of Latino alleles. Based on insufficient or conflicting evidence, the clinical significance of this alteration remains unclear.

Labcorp Genetics (formerly Invitae), Labcorp
Classification: Likely benign for Kleefstra syndrome 1. Last evaluated: 2025-03-05. Review status: criteria provided, single submitter. Criteria: Invitae Variant Classification Sherloc (09022015). Collection method: clinical testing. Allele origin: germline.

Women's Health and Genetics/Laboratory Corporation of America, LabCorp
Classification: Uncertain significance. Last evaluated: 2025-01-08. Review status: criteria provided, single submitter. Criteria: LabCorp Variant Classification Summary - May 2015. Collection method: clinical testing. Allele origin: germline.
Comment: Variant summary: EHMT1 c.322C>T (p.His108Tyr) results in a conservative amino acid change in the encoded protein sequence. Five of five in-silico tools predict a benign effect of the variant on protein function. The variant allele was found at a frequency of 2.5e-06 in 1606282 control chromosomes (gnomAD v4.1). The available data on variant occurrences in the general population are insufficient to allow any conclusion about variant significance. To our knowledge, no occurrence of c.322C>T in individuals affected with Kleefstra Syndrome 1 and no experimental evidence demonstrating its impact on protein function have been reported. ClinVar contains an entry for this variant (Variation ID: 1092222). Based on the evidence outlined above, the variant was classified as uncertain significance.